The following is an entry in ClinVar:

ClinVar aggregate classification (germline): Uncertain significance (0 of 4 stars; one submission).

Conditions:
PTHLH-related disorder. Also called: PTHLH-related condition.

Allele frequency attached by ClinVar (database versions not stated): TOPMed below 0.00001.

Submission:

PreventionGenetics, part of Exact Sciences
Classification: Uncertain significance for PTHLH-related condition. Last evaluated: 2023-12-31. Review status: no assertion criteria provided. Collection method: clinical testing. Allele origin: germline.
Comment: The PTHLH c.475G>A variant is predicted to result in the amino acid substitution p.Gly159Arg. To our knowledge, this variant has not been reported in the literature or in a large population database, indicating this variant is rare. At this time, the clinical significance of this variant is uncertain due to the absence of conclusive functional and genetic evidence.

NM_198965.2(PTHLH):c.475G>A (p.Gly159Arg)

Gene: PTHLH (parathyroid hormone like hormone; minus strand). Cytogenetic location: 12p11.22.
Variant type: single nucleotide variant.
Coding change: c.475G>A on transcript NM_198965.2 (MANE Select); coding-DNA position 475, G replaced by A.
Protein change: p.Gly159Arg; replaces glycine 159 with arginine.
Molecular consequence: missense variant.
Genome position (GRCh38, 1-based): chr12:27,963,397, C>T on the plus strand (G>A on the coding strand, the complement: PTHLH is on the minus strand). VCF-style: chr12-27963397-C-T. GRCh37 (hg19) VCF-style: chr12-28116330-C-T.
Other names: c.475G>A, p.Gly159Arg (NM_002820.3, NM_198964.2, NM_198966.2); short protein forms G159R.
Identifiers: ClinVar variation 3047616 (VCV003047616.2), dbSNP rs2062778870, ClinGen allele CA384338720.